The following is an entry in ClinVar:

NM_001105206.3(LAMA4):c.63C>G (p.Cys21Trp)

Genes: LAMA4 (laminin subunit alpha 4; minus strand), LAMA4-AS1 (LAMA4 antisense RNA 1; plus strand). Cytogenetic location: 6q21.
Variant type: single nucleotide variant.
Coding change: c.63C>G on transcript NM_001105206.3 (MANE Select); coding-DNA position 63, C replaced by G.
Protein change: p.Cys21Trp; replaces cysteine 21 with tryptophan.
Molecular consequence: missense variant.
Genome position (GRCh38, 1-based): chr6:112,254,088, G>C on the plus strand (C>G on the coding strand, the complement: LAMA4 is on the minus strand). VCF-style: chr6-112254088-G-C. GRCh37 (hg19) VCF-style: chr6-112575290-G-C.
Other names: c.63C>G, p.Cys21Trp (NM_001105207.3, NM_001105208.3, NM_001105209.3 and 1 more transcripts); short protein forms C21W.
Identifiers: ClinVar variation 1058849 (VCV001058849.7), dbSNP rs782234770, ClinGen allele CA3966349.

ClinVar aggregate classification (germline): Uncertain significance (1 of 4 stars; one submission).

Conditions:
Dilated cardiomyopathy 1JJ (CMD1JJ). Identifiers: Orphanet 154, MedGen C3808935, MONDO:0014095, OMIM 615235.

Allele frequency attached by ClinVar (database versions not stated): ExAC 0.00001; gnomAD exomes 0.00001.
gnomAD v4.1: 4 of 1,612,352 alleles (0.00025%); highest among the groups gnomAD compares: Non-Finnish European, 0.00034%; no homozygotes.

Submission:

Labcorp Genetics (formerly Invitae), Labcorp
Classification: Uncertain significance for Dilated cardiomyopathy 1JJ. Last evaluated: 2023-07-07. Review status: criteria provided, single submitter. Criteria: Invitae Variant Classification Sherloc (09022015). Collection method: clinical testing. Allele origin: germline.
Comment: This sequence change replaces cysteine, which is neutral and slightly polar, with tryptophan, which is neutral and slightly polar, at codon 21 of the LAMA4 protein (p.Cys21Trp). This variant is present in population databases (rs782234770, gnomAD 0.0009%). This variant has not been reported in the literature in individuals affected with LAMA4-related conditions. ClinVar contains an entry for this variant (Variation ID: 1058849). Algorithms developed to predict the effect of missense changes on protein structure and function output the following: SIFT: "Not Available"; PolyPhen-2: "Benign"; Align-GVGD: "Not Available". The tryptophan amino acid residue is found in multiple mammalian species, which suggests that this missense change does not adversely affect protein function. In summary, the available evidence is currently insufficient to determine the role of this variant in disease. Therefore, it has been classified as a Variant of Uncertain Significance.